The following is an entry in ClinVar:

ClinVar aggregate classification (germline): Uncertain significance (1 of 4 stars; one submission).

Submission:

Labcorp Genetics (formerly Invitae), Labcorp
Classification: Uncertain significance. Last evaluated: 2022-09-05. Review status: criteria provided, single submitter. Criteria: Invitae Variant Classification Sherloc (09022015). Collection method: clinical testing. Allele origin: germline.
Comment: Information on the frequency of this variant in the gnomAD database is not available, as this variant may be reported differently in the database. In summary, the available evidence is currently insufficient to determine the role of this variant in disease. Therefore, it has been classified as a Variant of Uncertain Significance. Algorithms developed to predict the effect of missense changes on protein structure and function are either unavailable or do not agree on the potential impact of this missense change (SIFT: "Not Available"; PolyPhen-2: "Probably Damaging"; Align-GVGD: "Not Available"). This variant has not been reported in the literature in individuals affected with DNAH9-related conditions. This sequence change replaces proline, which is neutral and non-polar, with leucine, which is neutral and non-polar, at codon 3994 of the DNAH9 protein (p.Pro3994Leu).

NM_001372.4(DNAH9):c.11981_11982inv (p.Pro3994Leu)

Gene: DNAH9 (dynein axonemal heavy chain 9; plus strand). Cytogenetic location: 17p12.
Variant type: Inversion.
Coding change: c.11981_11982inv on transcript NM_001372.4 (MANE Select).
Protein change: p.Pro3994Leu; replaces proline 3994 with leucine.
Molecular consequence: missense variant.
Genome position: GRCh38 VCF-style: chr17-11929969-CA-TG. GRCh37 (hg19) VCF-style: chr17-11833286-CA-TG.
Other names: c.917_918inv, p.Pro306Leu (NM_004662.2); short protein forms P306L, P3994L.
Identifiers: ClinVar variation 1718880 (VCV001718880.5), ClinGen allele CA2580092547.